The following is an entry in ClinVar:

NM_020738.4(KIDINS220):c.1278A>G (p.Arg426=)

Gene: KIDINS220 (kinase D interacting substrate 220; minus strand). Cytogenetic location: 2p25.1.
Variant type: single nucleotide variant.
Coding change: c.1278A>G on transcript NM_020738.4 (MANE Select); coding-DNA position 1278, A replaced by G.
Protein change: p.Arg426=; no amino-acid change (arginine 426 retained).
Molecular consequence: synonymous variant. On other transcripts: non-coding transcript variant (2).
Genome position (GRCh38, 1-based): chr2:8,791,223, T>C on the plus strand (A>G on the coding strand, the complement: KIDINS220 is on the minus strand). VCF-style: chr2-8791223-T-C. GRCh37 (hg19) VCF-style: chr2-8931353-T-C.
Other names: c.1281A>G, p.Arg427= (NM_001348729.2, NM_001348731.2, NM_001348734.2 and 3 more transcripts); c.1278A>G, p.Arg426= (NM_001348732.2, NM_001348735.2, NM_001348738.2 and 3 more transcripts); c.1152A>G, p.Arg384= (NM_001348736.2); c.1278A>G (NM_020738.2).
Identifiers: ClinVar variation 2184048 (VCV002184048.6), dbSNP rs200221760, ClinGen allele CA42340441.

ClinVar aggregate classification (germline): Likely benign. Review status: criteria provided, single submitter (1 of 4 stars). 2 submissions from 2 submitters: Likely benign (1). 1 of the submissions does not count toward it. Last evaluated 2024-05-06.

Conditions:
KIDINS220-related disorder. Also called: KIDINS220-related condition.

Allele frequency attached by ClinVar (database versions not stated): TOPMed below 0.00001; gnomAD 0.00001; gnomAD exomes 0.00001.
gnomAD v4.1: 16 of 1,612,334 alleles (0.00099%); highest among the groups gnomAD compares: Middle Eastern, 0.016%; no homozygotes.

Submissions (2):

Labcorp Genetics (formerly Invitae), Labcorp
Classification: Likely benign. Last evaluated: 2024-05-06. Review status: criteria provided, single submitter. Criteria: Invitae Variant Classification Sherloc (09022015). Collection method: clinical testing. Allele origin: germline.

PreventionGenetics, part of Exact Sciences
Classification: Likely benign for KIDINS220-related condition. Last evaluated: 2021-09-02. Review status: no assertion criteria provided. Collection method: clinical testing. Allele origin: germline. Not counted in ClinVar's aggregate classification.
Comment: This variant is classified as likely benign based on ACMG/AMP sequence variant interpretation guidelines (Richards et al. 2015 PMID: 25741868, with internal and published modifications).